The following is an entry in ClinVar:

ClinVar aggregate classification (germline): Uncertain significance (1 of 4 stars; one submission).

Conditions:
Mucopolysaccharidosis, MPS-IV-B (MPS4B). Also called: Mucopolysaccharidosis Type IVB (Morquio B Disease); Mucopolysaccharidosis type 4B; MORQUIO SYNDROME B; Mucopolysaccharidosis type IVB (Morquio); MPS IVB; Mucopolysaccharidosis type IV B. Identifiers: Orphanet 309310, Orphanet 582, MedGen C0086652, MONDO:0009660, OMIM 253010.
GM1 gangliosidosis. Identifiers: Orphanet 354, MedGen C0085131, MONDO:0018149.

Submission:

Labcorp Genetics (formerly Invitae), Labcorp
Classification: Uncertain significance for Mucopolysaccharidosis, MPS-IV-B; GM1 gangliosidosis. Last evaluated: 2022-07-25. Review status: criteria provided, single submitter. Criteria: Invitae Variant Classification Sherloc (09022015). Collection method: clinical testing. Allele origin: germline.
Comment: In summary, the available evidence is currently insufficient to determine the role of this variant in disease. Therefore, it has been classified as a Variant of Uncertain Significance. Advanced modeling of protein sequence and biophysical properties (such as structural, functional, and spatial information, amino acid conservation, physicochemical variation, residue mobility, and thermodynamic stability) performed at Invitae indicates that this missense variant is not expected to disrupt GLB1 protein function. This variant has not been reported in the literature in individuals affected with GLB1-related conditions. This variant is not present in population databases (gnomAD no frequency). This sequence change replaces valine, which is neutral and non-polar, with isoleucine, which is neutral and non-polar, at codon 445 of the GLB1 protein (p.Val445Ile).

NM_000404.4(GLB1):c.1333G>A (p.Val445Ile)

Gene: GLB1 (galactosidase beta 1; minus strand). Cytogenetic location: 3p22.3.
Variant type: single nucleotide variant.
Coding change: c.1333G>A on transcript NM_000404.4 (MANE Select); coding-DNA position 1333, G replaced by A.
Protein change: p.Val445Ile; replaces valine 445 with isoleucine.
Molecular consequence: missense variant.
Genome position (GRCh38, 1-based): chr3:33,018,462, C>T on the plus strand (G>A on the coding strand, the complement: GLB1 is on the minus strand). VCF-style: chr3-33018462-C-T. GRCh37 (hg19) VCF-style: chr3-33059954-C-T.
Other names: c.1243G>A, p.Val415Ile (NM_001079811.3); c.940G>A, p.Val314Ile (NM_001135602.3); c.1477G>A, p.Val493Ile (NM_001317040.2); c.1333G>A, p.Val445Ile (NM_001393580.1); short protein forms V314I, V415I, V445I, V493I.
Identifiers: ClinVar variation 1713712 (VCV001713712.5), dbSNP rs2471261073, ClinGen allele CA351991989.